The following is an entry in ClinVar:

NM_022166.4(XYLT1):c.1615A>G (p.Ser539Gly)

Genes: XYLT1 (xylosyltransferase 1; minus strand), LOC102723692 (uncharacterized LOC102723692; plus strand). Cytogenetic location: 16p12.3.
Variant type: single nucleotide variant.
Coding change: c.1615A>G on transcript NM_022166.4 (MANE Select); coding-DNA position 1615, A replaced by G.
Protein change: p.Ser539Gly; replaces serine 539 with glycine.
Molecular consequence: missense variant. On other transcripts: non-coding transcript variant (1).
Genome position (GRCh38, 1-based): chr16:17,138,504, T>C on the plus strand (A>G on the coding strand, the complement: XYLT1 is on the minus strand). VCF-style: chr16-17138504-T-C. GRCh37 (hg19) VCF-style: chr16-17232361-T-C.
Other names: short protein forms S539G.
Identifiers: ClinVar variation 937296 (VCV000937296.10), dbSNP rs200053698, ClinGen allele CA7927837.

ClinVar aggregate classification (germline): Uncertain significance. Review status: criteria provided, multiple submitters, no conflicts (2 of 4 stars). 2 submissions from 2 submitters: Uncertain significance (2). Last evaluated 2025-12-19.

Conditions:
Inborn genetic diseases. Identifiers: MedGen C0950123, MeSH D030342.
Desbuquois dysplasia 1 (DBQD1). Also called: MICROMELIC DWARFISM WITH VERTEBRAL AND METAPHYSEAL ABNORMALITIES AND ADVANCED CARPOTARSAL OSSIFICATION; DESBUQUOIS DYSPLASIA 1, KIM VARIANT. Identifiers: Orphanet 1425, MedGen C4012146, MONDO:0009629, OMIM 251450.

Allele frequency attached by ClinVar (database versions not stated): TOPMed 0.00006; gnomAD exomes 0.00009 and 0.00011; ExAC 0.00012; gnomAD 0.00012 and 0.00013.
gnomAD v4.1: 154 of 1,613,712 alleles (0.0095%); highest among the groups gnomAD compares: Non-Finnish European, 0.012%; no homozygotes.

Submissions (2):

Labcorp Genetics (formerly Invitae), Labcorp
Classification: Uncertain significance for Desbuquois dysplasia 1. Last evaluated: 2025-12-19. Review status: criteria provided, single submitter. Criteria: Invitae Variant Classification Sherloc (09022015). Collection method: clinical testing. Allele origin: germline.
Comment: This sequence change replaces serine, which is neutral and polar, with glycine, which is neutral and non-polar, at codon 539 of the XYLT1 protein (p.Ser539Gly). This variant is present in population databases (rs200053698, gnomAD 0.02%). This variant has not been reported in the literature in individuals affected with XYLT1-related conditions. ClinVar contains an entry for this variant (Variation ID: 937296). Invitae Evidence Modeling of protein sequence and biophysical properties (such as structural, functional, and spatial information, amino acid conservation, physicochemical variation, residue mobility, and thermodynamic stability) has been performed for this missense variant. However, the output from this modeling did not meet the statistical confidence thresholds required to predict the impact of this variant on XYLT1 protein function. In summary, the available evidence is currently insufficient to determine the role of this variant in disease. Therefore, it has been classified as a Variant of Uncertain Significance.

Ambry Genetics
Classification: Uncertain significance for Inborn genetic diseases. Last evaluated: 2025-04-08. Review status: criteria provided, single submitter. Criteria: Ambry Variant Classification Scheme 2023. Collection method: clinical testing. Allele origin: germline.